The following is an entry in ClinVar:

ClinVar aggregate classification (germline): Uncertain significance (1 of 4 stars; one submission).

Allele frequency attached by ClinVar (database versions not stated): gnomAD exomes below 0.00001 and 0.00001; TOPMed below 0.00001; ExAC 0.00002; gnomAD 0.00002; 1000 Genomes Project 0.00040; 1000 Genomes Project 30x 0.00062.
gnomAD v4.1: 5 of 1,614,220 alleles (0.00031%); highest among the groups gnomAD compares: East Asian, 0.011%; no homozygotes.

Submission:

Labcorp Genetics (formerly Invitae), Labcorp
Classification: Uncertain significance. Last evaluated: 2021-07-12. Review status: criteria provided, single submitter. Criteria: Invitae Variant Classification Sherloc (09022015). Collection method: clinical testing. Allele origin: germline.
Comment: This variant has not been reported in the literature in individuals affected with TARS2-related conditions. This variant is present in population databases (rs200345241, ExAC 0.02%). This sequence change replaces phenylalanine with leucine at codon 614 of the TARS2 protein (p.Phe614Leu). The phenylalanine residue is weakly conserved and there is a small physicochemical difference between phenylalanine and leucine. Algorithms developed to predict the effect of missense changes on protein structure and function output the following: SIFT: "Tolerated"; PolyPhen-2: "Benign"; Align-GVGD: "Class C0". The leucine amino acid residue is found in multiple mammalian species, which suggests that this missense change does not adversely affect protein function. In summary, the available evidence is currently insufficient to determine the role of this variant in disease. Therefore, it has been classified as a Variant of Uncertain Significance.

NM_025150.5(TARS2):c.1840T>C (p.Phe614Leu)

Gene: TARS2 (threonyl-tRNA synthetase 2, mitochondrial; plus strand). Cytogenetic location: 1q21.2.
Variant type: single nucleotide variant.
Coding change: c.1840T>C on transcript NM_025150.5 (MANE Select); coding-DNA position 1840, T replaced by C.
Protein change: p.Phe614Leu; replaces phenylalanine 614 with leucine.
Molecular consequence: missense variant. On other transcripts: non-coding transcript variant (2).
Genome position (GRCh38, 1-based): chr1:150,504,925, T>C. VCF-style: chr1-150504925-T-C. GRCh37 (hg19) VCF-style: chr1-150477401-T-C.
Other names: c.1594T>C, p.Phe532Leu (NM_001271895.2); c.1450T>C, p.Phe484Leu (NM_001271896.2); short protein forms F614L, F484L, F532L.
Identifiers: ClinVar variation 1504585 (VCV001504585.8), dbSNP rs200345241, ClinGen allele CA1077181.